The following is an entry in ClinVar:

ClinVar aggregate classification (germline): Uncertain significance (1 of 4 stars; one submission).

Allele frequency attached by ClinVar (database versions not stated): gnomAD exomes below 0.00001; ExAC 0.00001.
gnomAD v4.1: 2 of 1,614,172 alleles (0.00012%); highest among the groups gnomAD compares: Non-Finnish European, 0.00017%; no homozygotes.

Submission:

Labcorp Genetics (formerly Invitae), Labcorp
Classification: Uncertain significance. Last evaluated: 2024-06-24. Review status: criteria provided, single submitter. Criteria: Invitae Variant Classification Sherloc (09022015). Collection method: clinical testing. Allele origin: germline.
Comment: This sequence change replaces tyrosine, which is neutral and polar, with histidine, which is basic and polar, at codon 1197 of the NOTCH3 protein (p.Tyr1197His). This variant is present in population databases (rs746839526, gnomAD 0.0009%). This variant has not been reported in the literature in individuals affected with NOTCH3-related conditions. Advanced modeling of protein sequence and biophysical properties (such as structural, functional, and spatial information, amino acid conservation, physicochemical variation, residue mobility, and thermodynamic stability) performed at Invitae indicates that this missense variant is not expected to disrupt NOTCH3 protein function with a negative predictive value of 95%. In summary, the available evidence is currently insufficient to determine the role of this variant in disease. Therefore, it has been classified as a Variant of Uncertain Significance.

NM_000435.3(NOTCH3):c.3589T>C (p.Tyr1197His)

Gene: NOTCH3 (notch receptor 3; minus strand). Cytogenetic location: 19p13.12.
Variant type: single nucleotide variant.
Coding change: c.3589T>C on transcript NM_000435.3 (MANE Select); coding-DNA position 3589, T replaced by C.
Protein change: p.Tyr1197His; replaces tyrosine 1197 with histidine.
Molecular consequence: missense variant.
Genome position (GRCh38, 1-based): chr19:15,179,154, A>G on the plus strand (T>C on the coding strand, the complement: NOTCH3 is on the minus strand). VCF-style: chr19-15179154-A-G. GRCh37 (hg19) VCF-style: chr19-15289965-A-G.
Other names: short protein forms Y1197H.
Identifiers: ClinVar variation 2970676 (VCV002970676.3), dbSNP rs746839526, ClinGen allele CA9263045.
Genomic context (GRCh38, chr19:15,179,154, plus strand): 5'-CCGCGTGGCAGGCACCTGAGCGACACTCATTGATGTCTGCCTCGCAGCGCAAACCAGTGT[A>G]TCCTGGGGGACAGGTGCAGCGGAAACCACCCACCAGGTCCACGCAGGTGCCATTGTGTAG-3'
Protein context (NP_000426.2, residues 1187-1207): GGFRCTCPPG[Tyr1197His]TGLRCEADIN